The following is an entry in ClinVar:

ClinVar aggregate classification (germline): Uncertain significance. Review status: criteria provided, single submitter (1 of 4 stars). 2 submissions from 2 submitters: Uncertain significance (1). 1 of the submissions does not count toward it. Last evaluated 2026-02-20.

Conditions:
TMEM138-related disorder. Also called: TMEM138-related condition.
Joubert syndrome 16 (JBTS16). Identifiers: Orphanet 2318, MedGen C3280906, MONDO:0013764, OMIM 614465.

Submissions (2):

PreventionGenetics, part of Exact Sciences
Classification: Uncertain significance for TMEM138-related condition. Last evaluated: 2026-02-20. Review status: criteria provided, single submitter. Criteria: ACMG Guidelines, 2015. Collection method: clinical testing. Allele origin: germline.
Comment: The TMEM138 c.376G>A variant is predicted to result in the amino acid substitution p.Ala126Thr. This variant has been reported in the homozygous state in three individuals with molar tooth sign and oculomotor apraxia, two also have coloboma (Lee et al. 2012. PubMed ID: 22282472; Issa et al. 2020. PubMed ID: 32404165). Additionally, this variant was detected in the single heterozygous state in an individual with molar tooth sign (Issa et al. 2020. PubMed ID: 32404165). This variant has not been reported in a large population database (gnomAD), indicating this variant is rare. An alternate nucleotide change at the same genomic position (c.376G>C, p.Ala126Pro) has been reported in an individual with Joubert Syndrome (Kiraz et al. 2025. PubMed ID: 40448720). Although we suspect that this variant could be pathogenic, at this time, the clinical significance of this variant is uncertain due to the absence of conclusive functional and genetic evidence.

OMIM
Classification: Pathogenic for JOUBERT SYNDROME 16. Last evaluated: 2012-02-24. Review status: no assertion criteria provided. Collection method: literature only. Allele origin: germline. Not counted in ClinVar's aggregate classification.

Literature cited by the submitters: PubMed 22282472 (cited by OMIM).

NM_016464.5(TMEM138):c.376G>A (p.Ala126Thr)

Gene: TMEM138 (transmembrane protein 138; plus strand). Cytogenetic location: 11q12.2.
Variant type: single nucleotide variant.
Coding change: c.376G>A on transcript NM_016464.5 (MANE Select); coding-DNA position 376, G replaced by A.
Protein change: p.Ala126Thr; replaces alanine 126 with threonine.
Molecular consequence: missense variant. On other transcripts: non-coding transcript variant (1).
Genome position (GRCh38, 1-based): chr11:61,367,998, G>A. VCF-style: chr11-61367998-G-A. GRCh37 (hg19) VCF-style: chr11-61135470-G-A.
Other names: c.202G>A, p.Ala68Thr (NM_001330281.2); c.376G>A (NM_016464.4); short protein forms A126T, A68T.
Identifiers: ClinVar variation 31190 (VCV000031190.2), dbSNP rs387907134, ClinGen allele CA260011.
Genomic context (GRCh38, chr11:61,367,998, plus strand): 5'-AACTCCAACAGCTTCATATGGACAGATGGACTTCAAATGCTGTTTGTATTCCAGAGACTA[G>A]GTAAGGACCAGAGCAAGGTCAGGCCTCTCTCAGGTCCCACATGTGTCTCTTTCAGTGAGG-3'
Protein context (NP_057548.1, residues 116-136): LQMLFVFQRL[Ala126Thr]AVLYCYFYKR